The following is an entry in ClinVar:

NM_001085049.3(MRAS):c.508G>A (p.Asp170Asn)

Gene: MRAS (muscle RAS oncogene homolog; plus strand). Cytogenetic location: 3q22.3.
Variant type: single nucleotide variant.
Coding change: c.508G>A on transcript NM_001085049.3 (MANE Select); coding-DNA position 508, G replaced by A.
Protein change: p.Asp170Asn; replaces aspartic acid 170 with asparagine.
Molecular consequence: missense variant.
Genome position (GRCh38, 1-based): chr3:138,400,594, G>A. VCF-style: chr3-138400594-G-A. GRCh37 (hg19) VCF-style: chr3-138119436-G-A.
Other names: c.508G>A, p.Asp170Asn (NM_001252090.2, NM_012219.4); c.280G>A, p.Asp94Asn (NM_001252091.1, NM_001252092.2, NM_001252093.2); short protein forms D170N, D94N.
Identifiers: ClinVar variation 4771896 (VCV004771896.1).

ClinVar aggregate classification (germline): Uncertain significance (1 of 4 stars; one submission).

gnomAD v4.1: 3 of 1,612,558 alleles (0.00019%); highest among the groups gnomAD compares: Non-Finnish European, 0.00017%; no homozygotes.

Submission:

Labcorp Genetics (formerly Invitae), Labcorp
Classification: Uncertain significance. Last evaluated: 2025-02-07. Review status: criteria provided, single submitter. Criteria: Invitae Variant Classification Sherloc (09022015). Collection method: clinical testing. Allele origin: germline.
Comment: This sequence change replaces aspartic acid, which is acidic and polar, with asparagine, which is neutral and polar, at codon 170 of the MRAS protein (p.Asp170Asn). This variant is not present in population databases (gnomAD no frequency). This variant has not been reported in the literature in individuals affected with MRAS-related conditions. An algorithm developed to predict the effect of missense changes on protein structure and function (PolyPhen-2) suggests that this variant is likely to be disruptive. In summary, the available evidence is currently insufficient to determine the role of this variant in disease. Therefore, it has been classified as a Variant of Uncertain Significance.